The following is an entry in ClinVar:

NM_000045.4(ARG1):c.142A>T (p.Lys48Ter)

Genes: ARG1 (arginase 1; plus strand), MED23 (mediator complex subunit 23; minus strand). Cytogenetic location: 6q23.2.
Variant type: single nucleotide variant.
Coding change: c.142A>T on transcript NM_000045.4 (MANE Select); coding-DNA position 142, A replaced by T.
Protein change: p.Lys48Ter; replaces lysine 48 with a stop codon.
Molecular consequence: nonsense. On other transcripts: non-coding transcript variant (1), intron variant (2).
Genome position (GRCh38, 1-based): chr6:131,579,122, A>T. VCF-style: chr6-131579122-A-T. GRCh37 (hg19) VCF-style: chr6-131900262-A-T.
Other names: c.166A>T, p.Lys56Ter (NM_001244438.2); c.142A>T, p.Lys48Ter (NM_001369020.1); c.4078-4827T>A (NM_001270521.2); c.4096-4827T>A (NM_015979.4); short protein forms K56*, K48*.
Identifiers: ClinVar variation 847351 (VCV000847351.9), dbSNP rs1773783170, ClinGen allele CA365650265.

ClinVar aggregate classification (germline): Pathogenic. Review status: criteria provided, multiple submitters, no conflicts (2 of 4 stars). 2 submissions from 2 submitters: Pathogenic (2). Last evaluated 2024-01-08.

Conditions:
Arginase deficiency. Also called: ARGININEMIA; Arginase 1 Deficiency; ARG1 DEFICIENCY. Identifiers: Orphanet 90, MedGen C0268548, MONDO:0008814, OMIM 207800.

Allele frequency attached by ClinVar (database versions not stated): gnomAD exomes below 0.00001; TOPMed below 0.00001.
gnomAD v4.1: 2 of 1,614,132 alleles (0.00012%); highest among the groups gnomAD compares: Non-Finnish European, 0.000085%; no homozygotes.

Submissions (2):

Myriad Genetics, Inc.
Classification: Pathogenic for Arginase deficiency. Last evaluated: 2024-01-08. Review status: criteria provided, single submitter. Criteria: Myriad Autosomal Dominant, Autosomal Recessive and X-Linked Classification Criteria (2023). Collection method: clinical testing. Allele origin: unknown.
Comment: NM_000045.3(ARG1):c.142A>T(K48*) is expected to be pathogenic in the context of argininemia. This variant is predicted to lead to an abnormal or absent protein product due to the creation of a premature termination codon in ARG1, a gene where loss-of-function variants are known to be pathogenic. Please note: this variant was assessed in the context of healthy population screening.

Labcorp Genetics (formerly Invitae), Labcorp
Classification: Pathogenic for Arginase deficiency. Last evaluated: 2021-02-09. Review status: criteria provided, single submitter. Criteria: Invitae Variant Classification Sherloc (09022015). Collection method: clinical testing. Allele origin: germline.
Comment: This variant is not present in population databases (ExAC no frequency). For these reasons, this variant has been classified as Pathogenic. Loss-of-function variants in ARG1 are known to be pathogenic (PMID: 7649538, 12052859). This variant has not been reported in the literature in individuals with ARG1-related conditions. This sequence change creates a premature translational stop signal (p.Lys48*) in the ARG1 gene. It is expected to result in an absent or disrupted protein product.

Literature cited by the submitters: PubMed 7649538 (cited by Labcorp Genetics (formerly Invitae), Labcorp); PubMed 12052859 (cited by Labcorp Genetics (formerly Invitae), Labcorp).